The following is an entry in ClinVar:

NM_000051.4(ATM):c.3153+1G>T

Gene: ATM (ATM serine/threonine kinase; plus strand). Cytogenetic location: 11q22.3.
Variant type: single nucleotide variant.
Coding change: c.3153+1G>T on transcript NM_000051.4 (MANE Select); the canonical splice donor site of the intron after coding-DNA position 3153, G replaced by T.
Molecular consequence: splice donor variant.
Genome position (GRCh38, 1-based): chr11:108,272,608, G>T. VCF-style: chr11-108272608-G-T. GRCh37 (hg19) VCF-style: chr11-108143335-G-T.
Other names: c.3153+1G>T (NM_001351834.2).
Identifiers: ClinVar variation 953360 (VCV000953360.10), dbSNP rs2081646501, ClinGen allele CA382515413.
Genomic context (GRCh38, chr11:108,272,608, plus strand): 5'-AGGAAATATATATTCTCTGTAAGAATGGCCCTAGTAAATTGCCTTAAAACTTTGCTTGAG[G>T]TGAGTTTTTGCATTTTTTTAGTAAGATCTCCATTGAAAATTTTAAAGCAGTCTTTGTTTG-3'

ClinVar aggregate classification (germline): Likely pathogenic. Review status: criteria provided, multiple submitters, no conflicts (2 of 4 stars). 3 submissions from 3 submitters: Likely pathogenic (3). Last evaluated 2025-08-29.

Conditions:
Familial cancer of breast. Also called: Hereditary breast cancer; hereditary breast carcinoma; BREAST CANCER, FAMILIAL. Identifiers: Orphanet 227535, MedGen C0346153, MONDO:0016419, OMIM 114480. Disease mechanism: loss of function.
Ataxia-telangiectasia syndrome (AT). Also called: LOUIS-BAR SYNDROME; Ataxia telangiectasia (A-T); Cerebello-oculocutaneous telangiectasia; Immunodeficiency with ataxia telangiectasia; ATAXIA-TELANGIECTASIA, COMPLEMENTATION GROUP A; ATAXIA-TELANGIECTASIA, FRESNO VARIANT. Identifiers: Orphanet 100, MedGen C0004135, MONDO:0008840, OMIM 208900.

Submissions (3):

Labcorp Genetics (formerly Invitae), Labcorp
Classification: Likely pathogenic for Ataxia-telangiectasia syndrome. Last evaluated: 2025-08-29. Review status: criteria provided, single submitter. Criteria: Invitae Variant Classification Sherloc (09022015). Collection method: clinical testing. Allele origin: germline.
Comment: This sequence change affects a donor splice site in intron 21 of the ATM gene. RNA analysis indicates that disruption of this splice site induces altered splicing and may result in an absent or altered protein product. This variant is not present in population databases (gnomAD no frequency). This variant has not been reported in the literature in individuals affected with ATM-related conditions. ClinVar contains an entry for this variant (Variation ID: 953360). Studies have shown that disruption of this splice site results in skipping of exon 21, and produces a non-functional protein and/or introduces a premature termination codon (internal data). In summary, the currently available evidence indicates that the variant is pathogenic, but additional data are needed to prove that conclusively. Therefore, this variant has been classified as Likely Pathogenic.

Myriad Genetics, Inc.
Classification: Likely pathogenic for Familial cancer of breast. Last evaluated: 2024-01-18. Review status: criteria provided, single submitter. Criteria: Myriad Autosomal Dominant, Autosomal Recessive and X-Linked Classification Criteria (2023). Collection method: clinical testing. Allele origin: unknown.
Comment: This variant is considered likely pathogenic. This variant occurs within a consensus splice junction and is predicted to result in abnormal mRNA splicing of either an out-of-frame exon or an in-frame exon necessary for protein stability and/or normal function.

Baylor Genetics
Classification: Likely pathogenic for Familial cancer of breast. Last evaluated: 2021-12-31. Review status: criteria provided, single submitter. Criteria: ACMG Guidelines, 2015. Collection method: clinical testing. Allele origin: unknown.